The following is an entry in ClinVar:

NM_022124.6(CDH23):c.7418T>C (p.Leu2473Pro)

Gene: CDH23 (cadherin related 23; plus strand). Cytogenetic location: 10q22.1.
Variant type: single nucleotide variant.
Coding change: c.7418T>C on transcript NM_022124.6 (MANE Select); coding-DNA position 7418, T replaced by C.
Protein change: p.Leu2473Pro; replaces leucine 2473 with proline.
Molecular consequence: missense variant.
Genome position (GRCh38, 1-based): chr10:71,800,691, T>C. VCF-style: chr10-71800691-T-C. GRCh37 (hg19) VCF-style: chr10-73560448-T-C.
Other names: c.698T>C, p.Leu233Pro (NM_001171933.1, NM_001171934.1); short protein forms L233P, L2473P.
Identifiers: ClinVar variation 3338852 (VCV003338852.1).

ClinVar aggregate classification (germline): Uncertain significance (1 of 4 stars; one submission).

Submission:

GeneDx
Classification: Uncertain significance. Last evaluated: 2023-05-31. Review status: criteria provided, single submitter. Criteria: GeneDx Variant Classification Process June 2021. Collection method: clinical testing. Allele origin: germline. Affected: yes.
Comment: Not observed at significant frequency in large population cohorts (gnomAD); In silico analysis supports that this missense variant has a deleterious effect on protein structure/function; This variant is associated with the following publications: (PMID: 17850630, 25963016, 22899989, 35020051, 26346818)